The following is an entry in ClinVar:

NM_172107.4(KCNQ2):c.296+4_296+7del

Gene: KCNQ2 (potassium voltage-gated channel subfamily Q member 2; minus strand). Cytogenetic location: 20q13.33.
Variant type: Deletion.
Coding change: c.296+4_296+7del on transcript NM_172107.4 (MANE Select); bases 4 to 7 of the intron after coding-DNA position 296, 4 bases deleted (AGTG; older notation c.296+4_296+7delAGTG).
Molecular consequence: splice donor variant.
Genome position (GRCh38, 1-based): chr20:63,472,161-63,472,164, CACT deleted on the plus strand (AGTG on the coding strand, the reverse complement: KCNQ2 is on the minus strand); deleting any 4 consecutive bases within chr20:63,472,161-63,472,167 gives the same sequence; the c. name uses the placement nearest the transcript's 3' end. VCF-style (leftmost placement, unchanged base first): chr20-63472160-CCACT-C. GRCh37 (hg19) VCF-style: chr20-62103513-CCACT-C.
Other names: c.296+4_296+7del (NM_004518.6, NM_172108.5, NM_172106.3 and 2 more transcripts).
Identifiers: ClinVar variation 3656116 (VCV003656116.2).

ClinVar aggregate classification (germline): Uncertain significance (1 of 4 stars; one submission).

Conditions:
Early-infantile DEE. Also called: Ohtahara syndrome; Early infantile epileptic encephalopathy; Early infantile epileptic encephalopathy with suppression bursts. Identifiers: Orphanet 1934, MedGen C0393706, MONDO:0800491.

Submission:

Labcorp Genetics (formerly Invitae), Labcorp
Classification: Uncertain significance for Early-infantile DEE. Last evaluated: 2025-02-08. Review status: criteria provided, single submitter. Criteria: Invitae Variant Classification Sherloc (09022015). Collection method: clinical testing. Allele origin: germline.
Comment: This sequence change falls in intron 1 of the KCNQ2 gene. It does not directly change the encoded amino acid sequence of the KCNQ2 protein. It affects a nucleotide within the consensus splice site. This variant is not present in population databases (gnomAD no frequency). This variant has not been reported in the literature in individuals affected with KCNQ2-related conditions. Variants that disrupt the consensus splice site are a relatively common cause of aberrant splicing (PMID: 17576681, 9536098). Algorithms developed to predict the effect of sequence changes on RNA splicing suggest that this variant may disrupt the consensus splice site. In summary, the available evidence is currently insufficient to determine the role of this variant in disease. Therefore, it has been classified as a Variant of Uncertain Significance.

Literature cited by the submitters: PubMed 17576681; PubMed 9536098.